The following is an entry in ClinVar:

ClinVar aggregate classification (germline): Conflicting classifications of pathogenicity. Review status: criteria provided, conflicting classifications (1 of 4 stars). 3 submissions from 3 submitters: Uncertain significance (2); Likely benign (1). Last evaluated 2026-10-08.

Allele frequency attached by ClinVar (database versions not stated): TOPMed 0.00062; 1000 Genomes Project 0.00100; gnomAD exomes 0.00006 and 0.00012; gnomAD 0.00060 and 0.00066; ExAC 0.00027; ESP Exome Variant Server 0.00066; 1000 Genomes Project 30x 0.00094.
gnomAD v4.1: 169 of 1,551,746 alleles (0.011%); highest among the groups gnomAD compares: African/African-American, 0.22%; no homozygotes.

Submissions (3):

GeneDx
Classification: Uncertain significance. Last evaluated: 2026-10-08. Review status: criteria provided, single submitter. Criteria: GeneDx Variant Classification Process June 2021. Collection method: clinical testing. Allele origin: germline.
Comment: In silico analysis suggests that this missense variant does not alter protein structure/function; Has not been previously published as pathogenic or benign to our knowledge

Labcorp Genetics (formerly Invitae), Labcorp
Classification: Likely benign. Last evaluated: 2025-12-30. Review status: criteria provided, single submitter. Criteria: Invitae Variant Classification Sherloc (09022015). Collection method: clinical testing. Allele origin: germline.

Blueprint Genetics
Classification: Uncertain significance. Last evaluated: 2024-08-28. Review status: criteria provided, single submitter. Criteria: ACMG Guidelines, 2015. Collection method: clinical testing. Allele origin: germline.

NM_001371986.1(UNC80):c.9569C>T (p.Thr3190Ile)

Gene: UNC80 (unc-80 subunit of NALCN channel complex; plus strand). Cytogenetic location: 2q34.
Variant type: single nucleotide variant.
Coding change: c.9569C>T on transcript NM_001371986.1 (MANE Select); coding-DNA position 9569, C replaced by T.
Protein change: p.Thr3190Ile; replaces threonine 3190 with isoleucine.
Molecular consequence: missense variant.
Genome position (GRCh38, 1-based): chr2:209,994,125, C>T. VCF-style: chr2-209994125-C-T. GRCh37 (hg19) VCF-style: chr2-210858849-C-T.
Other names: c.9371C>T (NM_032504.1); c.9371C>T, p.Thr3124Ile (NM_032504.2); c.9299C>T, p.Thr3100Ile (NM_182587.4); short protein forms T3100I, T3124I, T3190I.
Identifiers: ClinVar variation 1593558 (VCV001593558.12), dbSNP rs370771331, ClinGen allele CA2083692.